The following is an entry in ClinVar:

ClinVar aggregate classification (germline): Uncertain significance. Review status: criteria provided, multiple submitters, no conflicts (2 of 4 stars). 3 submissions from 3 submitters: Uncertain significance (3). Last evaluated 2025-04-24.

Conditions:
Inborn genetic diseases. Identifiers: MedGen C0950123, MeSH D030342.

Allele frequency attached by ClinVar (database versions not stated): gnomAD 0.00002; TOPMed 0.00006; gnomAD exomes 0.00007.
gnomAD v4.1: 104 of 1,612,976 alleles (0.0064%); highest among the groups gnomAD compares: Middle Eastern, 0.033%; no homozygotes.

Submissions (3):

Ambry Genetics
Classification: Uncertain significance for Inborn genetic diseases. Last evaluated: 2025-04-24. Review status: criteria provided, single submitter. Criteria: Ambry Variant Classification Scheme 2023. Collection method: clinical testing. Allele origin: germline.

Labcorp Genetics (formerly Invitae), Labcorp
Classification: Uncertain significance. Last evaluated: 2022-06-20. Review status: criteria provided, single submitter. Criteria: Invitae Variant Classification Sherloc (09022015). Collection method: clinical testing. Allele origin: germline.
Comment: This sequence change replaces threonine, which is neutral and polar, with isoleucine, which is neutral and non-polar, at codon 2773 of the HSPG2 protein (p.Thr2773Ile). This variant is present in population databases (rs754456095, gnomAD 0.02%). This variant has not been reported in the literature in individuals affected with HSPG2-related conditions. Algorithms developed to predict the effect of missense changes on protein structure and function output the following: SIFT: "Tolerated"; PolyPhen-2: "Benign"; Align-GVGD: "Class C0". The isoleucine amino acid residue is found in multiple mammalian species, which suggests that this missense change does not adversely affect protein function. In summary, the available evidence is currently insufficient to determine the role of this variant in disease. Therefore, it has been classified as a Variant of Uncertain Significance.

Revvity Omics, Revvity
Classification: Uncertain significance. Last evaluated: 2019-07-10. Review status: criteria provided, single submitter. Criteria: ACMG Guidelines, 2015. Collection method: clinical testing. Allele origin: germline.

NM_005529.7(HSPG2):c.8318C>T (p.Thr2773Ile)

Gene: HSPG2 (heparan sulfate proteoglycan 2; minus strand). Cytogenetic location: 1p36.12.
Variant type: single nucleotide variant.
Coding change: c.8318C>T on transcript NM_005529.7 (MANE Select); coding-DNA position 8318, C replaced by T.
Protein change: p.Thr2773Ile; replaces threonine 2773 with isoleucine.
Molecular consequence: missense variant.
Genome position (GRCh38, 1-based): chr1:21,846,254, G>A on the plus strand (C>T on the coding strand, the complement: HSPG2 is on the minus strand). VCF-style: chr1-21846254-G-A. GRCh37 (hg19) VCF-style: chr1-22172747-G-A.
Other names: c.8321C>T, p.Thr2774Ile (NM_001291860.2); c.8318C>T (NM_005529.5); short protein forms T2773I, T2774I.
Identifiers: ClinVar variation 1418680 (VCV001418680.10), dbSNP rs754456095, ClinGen allele CA670823.